The following is an entry in ClinVar:

ClinVar aggregate classification (germline): Pathogenic (1 of 4 stars; one submission).

Allele frequency attached by ClinVar (database versions not stated): ExAC 0.00002; gnomAD exomes 0.00002; TOPMed 0.00002.
gnomAD v4.1: 33 of 1,611,718 alleles (0.002%); highest among the groups gnomAD compares: Non-Finnish European, 0.0026%; no homozygotes.

Submission:

GeneDx
Classification: Pathogenic. Last evaluated: 2024-12-18. Review status: criteria provided, single submitter. Criteria: GeneDx Variant Classification Process June 2021. Collection method: clinical testing. Allele origin: germline. Affected: yes.
Comment: Nonsense variant predicted to result in protein truncation, as the last 542 amino acid(s) are lost, and other loss-of-function variants have been reported downstream in HGMD; Not observed at significant frequency in large population cohorts (gnomAD); Has not been previously published as pathogenic or benign in a patient with FLG-related disorder to our knowledge; This variant is associated with the following publications: (PMID: 37200867)

NM_002016.2(FLG):c.10558C>T (p.Gln3520Ter)

Genes: CCDST (cervical cancer associated DHX9 suppressive transcript; plus strand), FLG (filaggrin; minus strand). Cytogenetic location: 1q21.3.
Variant type: single nucleotide variant.
Coding change: c.10558C>T on transcript NM_002016.2 (MANE Select); coding-DNA position 10558, C replaced by T.
Protein change: p.Gln3520Ter; replaces glutamine 3520 with a stop codon.
Molecular consequence: nonsense.
Genome position (GRCh38, 1-based): chr1:152,304,328, G>A on the plus strand (C>T on the coding strand, the complement: FLG is on the minus strand). VCF-style: chr1-152304328-G-A. GRCh37 (hg19) VCF-style: chr1-152276804-G-A.
Other names: short protein forms Q3520*.
Identifiers: ClinVar variation 504017 (VCV000504017.3), dbSNP rs754328064, ClinGen allele CA1103291.
Genomic context (GRCh38, chr1:152,304,328, plus strand): 5'-TAACACTGGATCCCTGGTTCCTGCTTGTCCTGGGCCCCGCTGATTGTCCCTGGCCGGACT[G>A]TGAGTGTCTAGAGCTGTCCGCCTGAGTGGAAGCTTCATGGTGATGCGACCATGAGTGCCT-3'